The following is an entry in ClinVar:

NM_000368.5(TSC1):c.2360del (p.Glu787fs)

Gene: TSC1 (TSC complex subunit 1; minus strand). Cytogenetic location: 9q34.13.
Variant type: Deletion.
Coding change: c.2360del on transcript NM_000368.5 (MANE Select); coding-DNA position 2360, one base deleted (A; older notation c.2360delA).
Protein change: p.Glu787fs; shifts the reading frame from glutamic acid 787.
Molecular consequence: frameshift variant.
Genome position (GRCh38, 1-based): chr9:132,902,636, T deleted on the plus strand (A on the coding strand, the reverse complement: TSC1 is on the minus strand). VCF-style (leftmost placement, unchanged base first): chr9-132902635-CT-C. GRCh37 (hg19) VCF-style: chr9-135778022-CT-C.
Other names: c.2357del, p.Glu786fs (NM_001162426.2); c.2207del, p.Glu736fs (NM_001162427.2); c.1997del, p.Glu666fs (NM_001362177.2); c.2360delA (NM_000368.4); short protein forms E786fs, E787fs, E736fs, E666fs.
Identifiers: ClinVar variation 659922 (VCV000659922.6), dbSNP rs1588301269, ClinGen allele CA915947234.

ClinVar aggregate classification (germline): Pathogenic (1 of 4 stars; one submission).

Conditions:
Tuberous sclerosis 1 (TSC1). Identifiers: Orphanet 805, MedGen C1854465, MONDO:0008612, OMIM 191100.

Submission:

Labcorp Genetics (formerly Invitae), Labcorp
Classification: Pathogenic for Tuberous sclerosis 1. Last evaluated: 2018-10-06. Review status: criteria provided, single submitter. Criteria: Invitae Variant Classification Sherloc (09022015). Collection method: clinical testing. Allele origin: germline.
Comment: This sequence change creates a premature translational stop signal (p.Glu787Glyfs*20) in the TSC1 gene. It is expected to result in an absent or disrupted protein product. This variant is not present in population databases (ExAC no frequency). This variant has not been reported in the literature in individuals with TSC1-related disease. Loss-of-function variants in TSC1 are known to be pathogenic (PMID: 10227394, 17304050). For these reasons, this variant has been classified as Pathogenic.

Literature cited by the submitters: PubMed 10227394; PubMed 17304050.